The following is an entry in ClinVar:

NM_001042492.3(NF1):c.8062G>A (p.Val2688Met)

Gene: NF1 (neurofibromin 1; plus strand). Cytogenetic location: 17q11.2.
Variant type: single nucleotide variant.
Coding change: c.8062G>A on transcript NM_001042492.3 (MANE Select); coding-DNA position 8062, G replaced by A.
Protein change: p.Val2688Met; replaces valine 2688 with methionine.
Molecular consequence: missense variant.
Genome position (GRCh38, 1-based): chr17:31,358,571, G>A. VCF-style: chr17-31358571-G-A. GRCh37 (hg19) VCF-style: chr17-29685589-G-A.
Other names: c.7999G>A, p.Val2667Met (NM_000267.4); short protein forms V2688M, V2667M.
Identifiers: ClinVar variation 2782792 (VCV002782792.4), dbSNP rs1567627780, ClinGen allele CA399203829.

ClinVar aggregate classification (germline): Uncertain significance. Review status: criteria provided, multiple submitters, no conflicts (2 of 4 stars). 2 submissions from 2 submitters: Uncertain significance (2). Last evaluated 2024-11-04.

Conditions:
Neurofibromatosis, type 1 (NF1). Also called: Neurofibromatosis, type I; NEUROFIBROMATOSIS, TYPE I, SOMATIC; VON RECKLINGHAUSEN DISEASE; Peripheral type neurofibromatosis. Identifiers: Orphanet 636, MedGen C0027831, MONDO:0018975, OMIM 162200. Disease mechanism: loss of function.

Allele frequency attached by ClinVar (database versions not stated): TOPMed below 0.00001.

Submissions (2):

Labcorp Genetics (formerly Invitae), Labcorp
Classification: Uncertain significance for Neurofibromatosis, type 1. Last evaluated: 2024-11-04. Review status: criteria provided, single submitter. Criteria: Invitae Variant Classification Sherloc (09022015). Collection method: clinical testing. Allele origin: germline.
Comment: This sequence change replaces valine, which is neutral and non-polar, with methionine, which is neutral and non-polar, at codon 2667 of the NF1 protein (p.Val2667Met). This variant is not present in population databases (gnomAD no frequency). This variant has not been reported in the literature in individuals affected with NF1-related conditions. ClinVar contains an entry for this variant (Variation ID: 2782792). Invitae Evidence Modeling of protein sequence and biophysical properties (such as structural, functional, and spatial information, amino acid conservation, physicochemical variation, residue mobility, and thermodynamic stability) has been performed for this missense variant. However, the output from this modeling did not meet the statistical confidence thresholds required to predict the impact of this variant on NF1 protein function. In summary, the available evidence is currently insufficient to determine the role of this variant in disease. Therefore, it has been classified as a Variant of Uncertain Significance.

Blueprint Genetics
Classification: Uncertain significance. Last evaluated: 2023-03-27. Review status: criteria provided, single submitter. Criteria: ACMG Guidelines, 2015. Collection method: clinical testing. Allele origin: germline.